The following is an entry in ClinVar:

ClinVar aggregate classification (germline): Uncertain significance (1 of 4 stars; one submission).

Conditions:
Inborn genetic diseases. Identifiers: MedGen C0950123, MeSH D030342.

Submission:

Ambry Genetics
Classification: Uncertain significance for Inborn genetic diseases. Last evaluated: 2026-08-20. Review status: criteria provided, single submitter. Criteria: Ambry Variant Classification Scheme 2023. Collection method: clinical testing. Allele origin: germline.
Comment: The p.D1263V variant (also known as c.3788A>T), located in coding exon 1 of the SAMD9L gene, results from an A to T substitution at nucleotide position 3788. The aspartic acid at codon 1263 is replaced by valine, an amino acid with highly dissimilar properties. This amino acid position is conserved. In addition, this alteration is predicted to be tolerated by in silico analysis. Based on the available evidence, the clinical significance of this variant remains unclear.

NM_152703.5(SAMD9L):c.3788A>T (p.Asp1263Val)

Gene: SAMD9L (sterile alpha motif domain containing 9 like; minus strand). Cytogenetic location: 7q21.2.
Variant type: single nucleotide variant.
Coding change: c.3788A>T on transcript NM_152703.5 (MANE Select); coding-DNA position 3788, A replaced by T.
Protein change: p.Asp1263Val; replaces aspartic acid 1263 with valine.
Molecular consequence: missense variant.
Genome position (GRCh38, 1-based): chr7:93,132,184, T>A on the plus strand (A>T on the coding strand, the complement: SAMD9L is on the minus strand). VCF-style: chr7-93132184-T-A. GRCh37 (hg19) VCF-style: chr7-92761497-T-A.
Other names: c.3788A>T, p.Asp1263Val (NM_001303496.3, NM_001303497.3, NM_001303498.3 and 5 more transcripts); short protein forms D1263V.
Identifiers: ClinVar variation 5028959 (VCV005028959.1).